The following is an entry in ClinVar:

ClinVar aggregate classification (germline): Uncertain significance (1 of 4 stars; one submission).

Conditions:
Epidermodysplasia verruciformis. Identifiers: Orphanet 302, MedGen C0014522, MONDO:0009176.

Allele frequency attached by ClinVar (database versions not stated): gnomAD 0.00001; gnomAD exomes 0.00001 and 0.00004; TOPMed 0.00001; ExAC 0.00006; 1000 Genomes Project 30x 0.00016; 1000 Genomes Project 0.00020.
gnomAD v4.1: 20 of 1,612,874 alleles (0.0012%); highest among the groups gnomAD compares: Admixed American, 0.0033%; no homozygotes.

Submission:

Labcorp Genetics (formerly Invitae), Labcorp
Classification: Uncertain significance for Epidermodysplasia verruciformis. Last evaluated: 2022-05-09. Review status: criteria provided, single submitter. Criteria: Invitae Variant Classification Sherloc (09022015). Collection method: clinical testing. Allele origin: germline.
Comment: This sequence change replaces proline, which is neutral and non-polar, with serine, which is neutral and polar, at codon 487 of the TMC6 protein (p.Pro487Ser). This variant is present in population databases (rs200099536, gnomAD 0.008%). This variant has not been reported in the literature in individuals affected with TMC6-related conditions. ClinVar contains an entry for this variant (Variation ID: 576487). Algorithms developed to predict the effect of missense changes on protein structure and function output the following: SIFT: "Not Available"; PolyPhen-2: "Benign"; Align-GVGD: "Not Available". The serine amino acid residue is found in multiple mammalian species, which suggests that this missense change does not adversely affect protein function. In summary, the available evidence is currently insufficient to determine the role of this variant in disease. Therefore, it has been classified as a Variant of Uncertain Significance.

NM_001127198.5(TMC6):c.1459C>T (p.Pro487Ser)

Gene: TMC6 (transmembrane channel like 6; minus strand). Cytogenetic location: 17q25.3.
Variant type: single nucleotide variant.
Coding change: c.1459C>T on transcript NM_001127198.5 (MANE Select); coding-DNA position 1459, C replaced by T.
Protein change: p.Pro487Ser; replaces proline 487 with serine.
Molecular consequence: missense variant. On other transcripts: non-coding transcript variant (4).
Genome position (GRCh38, 1-based): chr17:78,121,089, G>A on the plus strand (C>T on the coding strand, the complement: TMC6 is on the minus strand). VCF-style: chr17-78121089-G-A. GRCh37 (hg19) VCF-style: chr17-76117170-G-A.
Other names: c.1459C>T, p.Pro487Ser (NM_001321185.1, NM_001374593.1, NM_001374594.1 and 4 more transcripts); short protein forms P487S.
Identifiers: ClinVar variation 576487 (VCV000576487.7), dbSNP rs200099536, ClinGen allele CA8795741.